The following is an entry in ClinVar:

ClinVar aggregate classification (germline): Pathogenic (1 of 4 stars; one submission).

Submission:

Athena Diagnostics
Classification: Pathogenic. Last evaluated: 2023-12-21. Review status: criteria provided, single submitter. Criteria: Athena Diagnostics Criteria. Collection method: clinical testing. Allele origin: unknown.
Comment: This variant is expected to result in the loss of a functional protein. Similar deletions of exons 46-47 have been reported primarily in patients with Duchenne muscular dystrophy (DMD), and also in a few individuals with Becker muscular dystrophy (BMD). A similar deletion of exons 46 to 47 has not been reported in large, multi-ethnic general populations. (Genome Aggregation Database (gnomAD), Cambridge, MA (URL))

Literature cited by the submitters: PubMed 17854090; PubMed 28181689; PubMed 24770780; PubMed 19367636; PubMed 17259292; PubMed 28332368; PubMed 17253928; PubMed 11412872; PubMed 9048922; PubMed 1618490; PubMed 15684864; PubMed 18683213; PubMed 16049303; PubMed 19084397; PubMed 11388892; PubMed 1427789; PubMed 15655674; PubMed 17561468; PubMed 1483053; PubMed 2585468; PubMed 2491010; PubMed 19937601; PubMed 18752307; PubMed 28610567; PubMed 28116794; PubMed 1864612; PubMed 27593222; PubMed 23588064; PubMed 15845029; PubMed 20036901; PubMed 2927671; PubMed 12518196; PubMed 24217213; PubMed 22090376; PubMed 20944443; PubMed 15723292; PubMed 9800909.

Single allele

Gene: DMD (dystrophin; minus strand). Cytogenetic location: Xp21.1.
Variant type: Deletion.
Identifiers: ClinVar variation 1256415 (VCV001256415.4).